The following is an entry in ClinVar:

NM_017777.4(MKS1):c.585C>T (p.His195=)

Gene: MKS1 (MKS transition zone complex subunit 1; minus strand). Cytogenetic location: 17q22.
Variant type: single nucleotide variant.
Coding change: c.585C>T on transcript NM_017777.4 (MANE Select); coding-DNA position 585, C replaced by T.
Protein change: p.His195=; no amino-acid change (histidine 195 retained).
Molecular consequence: synonymous variant. On other transcripts: 5 prime UTR variant (1).
Genome position (GRCh38, 1-based): chr17:58,214,318, G>A on the plus strand (C>T on the coding strand, the complement: MKS1 is on the minus strand). VCF-style: chr17-58214318-G-A. GRCh37 (hg19) VCF-style: chr17-56291679-G-A.
Other names: c.-25C>T (NM_001321268.2); c.585C>T, p.His195= (NM_001321269.2, NM_001330397.2); c.585C>T (NM_017777.3).
Identifiers: ClinVar variation 1598402 (VCV001598402.11), dbSNP rs200628275, ClinGen allele CA8669467.

ClinVar aggregate classification (germline): Likely benign. Review status: criteria provided, multiple submitters, no conflicts (2 of 4 stars). 3 submissions from 3 submitters: Likely benign (2). 1 of the submissions does not count toward it. Last evaluated 2025-08-17.

Conditions:
MKS1-related disorder. Also called: MKS1-related disorders; MKS1-related condition. Identifiers: MedGen CN239382.
Joubert syndrome. Also called: Familial aplasia of the vermis; JOUBERT-BOLTSHAUSER SYNDROME. Identifiers: Orphanet 475, MedGen C5979921, MONDO:0018772.
Meckel-Gruber syndrome. Also called: DYSENCEPHALIA SPLANCHNOCYSTICA; GRUBER SYNDROME; Dysencephalia splachnocystica. Identifiers: Orphanet 564, MedGen C0265215, MONDO:0018921.

Allele frequency attached by ClinVar (database versions not stated): gnomAD 0.00001; ExAC 0.00002; TOPMed 0.00002; gnomAD exomes 0.00003; 1000 Genomes Project 0.00020; 1000 Genomes Project 30x 0.00031.

Submissions (3):

Labcorp Genetics (formerly Invitae), Labcorp
Classification: Likely benign for Joubert syndrome; Meckel-Gruber syndrome. Last evaluated: 2025-08-17. Review status: criteria provided, single submitter. Criteria: Invitae Variant Classification Sherloc (09022015). Collection method: clinical testing. Allele origin: germline.

Blueprint Genetics
Classification: Likely benign. Last evaluated: 2020-10-08. Review status: criteria provided, single submitter. Criteria: ACMG Guidelines, 2015. Collection method: clinical testing. Allele origin: germline.

PreventionGenetics, part of Exact Sciences
Classification: Likely benign for MKS1-related condition. Last evaluated: 2020-03-23. Review status: no assertion criteria provided. Collection method: clinical testing. Allele origin: germline. Not counted in ClinVar's aggregate classification.
Comment: This variant is classified as likely benign based on ACMG/AMP sequence variant interpretation guidelines (Richards et al. 2015 PMID: 25741868, with internal and published modifications).